The following is an entry in ClinVar:

NM_002734.5(PRKAR1A):c.283A>G (p.Arg95Gly)

Gene: PRKAR1A (protein kinase cAMP-dependent type I regulatory subunit alpha; plus strand). Cytogenetic location: 17q24.2.
Variant type: single nucleotide variant.
Coding change: c.283A>G on transcript NM_002734.5 (MANE Select); coding-DNA position 283, A replaced by G.
Protein change: p.Arg95Gly; replaces arginine 95 with glycine.
Molecular consequence: missense variant.
Genome position (GRCh38, 1-based): chr17:68,522,861, A>G. VCF-style: chr17-68522861-A-G. GRCh37 (hg19) VCF-style: chr17-66519002-A-G.
Other names: c.283A>G, p.Arg95Gly (NM_001276289.2, NM_001276290.1, NM_001278433.2 and 4 more transcripts); short protein forms R95G.
Identifiers: ClinVar variation 1713928 (VCV001713928.5), dbSNP rs2509399190, ClinGen allele CA400752382.

ClinVar aggregate classification (germline): Uncertain significance (1 of 4 stars; one submission).

Conditions:
Carney complex, type 1 (CNC1). Also called: CARNEY MYXOMA-ENDOCRINE COMPLEX; CARNEY COMPLEX, TYPE I. Identifiers: Orphanet 1359, MedGen C2607929, MONDO:0008057, OMIM 160980.

Submission:

Labcorp Genetics (formerly Invitae), Labcorp
Classification: Uncertain significance for Carney complex, type 1. Last evaluated: 2022-07-27. Review status: criteria provided, single submitter. Criteria: Invitae Variant Classification Sherloc (09022015). Collection method: clinical testing. Allele origin: germline.
Comment: In summary, the available evidence is currently insufficient to determine the role of this variant in disease. Therefore, it has been classified as a Variant of Uncertain Significance. Algorithms developed to predict the effect of missense changes on protein structure and function (SIFT, PolyPhen-2, Align-GVGD) all suggest that this variant is likely to be tolerated. This variant has not been reported in the literature in individuals affected with PRKAR1A-related conditions. This variant is not present in population databases (gnomAD no frequency). This sequence change replaces arginine, which is basic and polar, with glycine, which is neutral and non-polar, at codon 95 of the PRKAR1A protein (p.Arg95Gly).